The following is an entry in ClinVar:

ClinVar aggregate classification (germline): Uncertain significance (1 of 4 stars; one submission).

Submission:

Labcorp Genetics (formerly Invitae), Labcorp
Classification: Uncertain significance. Last evaluated: 2023-07-10. Review status: criteria provided, single submitter. Criteria: Invitae Variant Classification Sherloc (09022015). Collection method: clinical testing. Allele origin: germline.
Comment: This sequence change replaces glycine, which is neutral and non-polar, with valine, which is neutral and non-polar, at codon 2002 of the SZT2 protein (p.Gly2002Val). This variant is not present in population databases (gnomAD no frequency). This variant has not been reported in the literature in individuals affected with SZT2-related conditions. ClinVar contains an entry for this variant (Variation ID: 1714401). Advanced modeling of protein sequence and biophysical properties (such as structural, functional, and spatial information, amino acid conservation, physicochemical variation, residue mobility, and thermodynamic stability) performed at Invitae indicates that this missense variant is expected to disrupt SZT2 protein function. Algorithms developed to predict the effect of sequence changes on RNA splicing suggest that this variant may create or strengthen a splice site. In summary, the available evidence is currently insufficient to determine the role of this variant in disease. Therefore, it has been classified as a Variant of Uncertain Significance.

NM_001365999.1(SZT2):c.6176G>T (p.Gly2059Val)

Gene: SZT2 (SZT2 subunit of KICSTOR complex; plus strand). Cytogenetic location: 1p34.2.
Variant type: single nucleotide variant.
Coding change: c.6176G>T on transcript NM_001365999.1 (MANE Select); coding-DNA position 6176, G replaced by T.
Protein change: p.Gly2059Val; replaces glycine 2059 with valine.
Molecular consequence: missense variant.
Genome position (GRCh38, 1-based): chr1:43,437,312, G>T. VCF-style: chr1-43437312-G-T. GRCh37 (hg19) VCF-style: chr1-43902983-G-T.
Other names: c.6005G>T, p.Gly2002Val (NM_015284.4); short protein forms G2002V, G2059V.
Identifiers: ClinVar variation 1714401 (VCV001714401.5), dbSNP rs1221335261, ClinGen allele CA340028668.